The following is an entry in ClinVar:

NM_000447.3(PSEN2):c.-338A>G

Gene: PSEN2 (presenilin 2; plus strand). Cytogenetic location: 1q42.13.
Variant type: single nucleotide variant.
Coding change: c.-338A>G on transcript NM_000447.3 (MANE Select); 338 bases upstream of the start codon, A replaced by G.
Molecular consequence: 5 prime UTR variant.
Genome position (GRCh38, 1-based): chr1:226,871,273, A>G. VCF-style: chr1-226871273-A-G. GRCh37 (hg19) VCF-style: chr1-227058974-A-G.
Other names: c.-338A>G (NM_012486.3).
Identifiers: ClinVar variation 295981 (VCV000295981.5), dbSNP rs6665033, ClinGen allele CA10610171.

ClinVar aggregate classification (germline): Likely benign. Review status: criteria provided, single submitter (1 of 4 stars). 2 submissions from 1 submitter: Likely benign (2). Last evaluated 2017-04-28.

Conditions:
Dilated cardiomyopathy 1V (CMD1V). Identifiers: Orphanet 154, MedGen C3150958, MONDO:0013373, OMIM 613697.
Alzheimer disease 4 (AD4). Identifiers: Orphanet 1020, MedGen C1847200, MONDO:0011743, OMIM 606889.

Allele frequency attached by ClinVar (database versions not stated): gnomAD 0.01370 and 0.01457; TOPMed 0.01581; 1000 Genomes Project 0.01677; 1000 Genomes Project 30x 0.01811.

Submissions (2):

Illumina Laboratory Services, Illumina
Classification: Likely benign for Alzheimer disease 4. Last evaluated: 2017-04-28. Review status: criteria provided, single submitter. Criteria: ICSL Variant Classification Criteria 13 December 2019. Collection method: clinical testing. Allele origin: germline.
Comment: This variant was observed as part of a predisposition screen in an ostensibly healthy population. A literature search was performed for the gene, cDNA change, and amino acid change (where applicable). No publications were found based on this search. Allele frequency data from public databases allowed determination this variant is unlikely to cause disease. Therefore, this variant is classified as likely benign.

Illumina Laboratory Services, Illumina
Classification: Likely benign for Dilated cardiomyopathy 1V. Last evaluated: 2017-04-28. Review status: criteria provided, single submitter. Criteria: ICSL Variant Classification Criteria 13 December 2019. Collection method: clinical testing. Allele origin: germline.
Comment: the same text as in the submission from Illumina Laboratory Services, Illumina above.